The following is an entry in ClinVar:

ClinVar aggregate classification (germline): Uncertain significance (1 of 4 stars; one submission).

Conditions:
Ellis-van Creveld syndrome (EVC). Also called: EVC-Related Ellis-van Creveld Syndrome; EVC2-Related Ellis-van Creveld Syndrome; MESOECTODERMAL DYSPLASIA; Chondroectodermal dysplasia. Identifiers: Orphanet 289, MedGen C0013903, MONDO:0009162, OMIM 225500.
Curry-Hall syndrome (WAD). Also called: WEYERS ACRODENTAL DYSOSTOSIS. Identifiers: Orphanet 952, MedGen C0457013, MONDO:0008673, OMIM 193530.

gnomAD v4.1: 5 of 1,614,216 alleles (0.00031%); highest among the groups gnomAD compares: African/African-American, 0.0027%; no homozygotes.

Submission:

Labcorp Genetics (formerly Invitae), Labcorp
Classification: Uncertain significance for Curry-Hall syndrome; Ellis-van Creveld syndrome. Last evaluated: 2024-12-28. Review status: criteria provided, single submitter. Criteria: Invitae Variant Classification Sherloc (09022015). Collection method: clinical testing. Allele origin: germline.
Comment: This sequence change replaces leucine, which is neutral and non-polar, with valine, which is neutral and non-polar, at codon 212 of the EVC2 protein (p.Leu212Val). This variant is present in population databases (rs530665317, gnomAD 0.008%). This variant has not been reported in the literature in individuals affected with EVC2-related conditions. An algorithm developed to predict the effect of missense changes on protein structure and function (PolyPhen-2) suggests that this variant is likely to be disruptive. In summary, the available evidence is currently insufficient to determine the role of this variant in disease. Therefore, it has been classified as a Variant of Uncertain Significance.

NM_147127.5(EVC2):c.634C>G (p.Leu212Val)

Gene: EVC2 (EvC ciliary complex subunit 2; minus strand). Cytogenetic location: 4p16.2.
Variant type: single nucleotide variant.
Coding change: c.634C>G on transcript NM_147127.5 (MANE Select); coding-DNA position 634, C replaced by G.
Protein change: p.Leu212Val; replaces leucine 212 with valine.
Molecular consequence: missense variant.
Genome position (GRCh38, 1-based): chr4:5,689,229, G>C on the plus strand (C>G on the coding strand, the complement: EVC2 is on the minus strand). VCF-style: chr4-5689229-G-C. GRCh37 (hg19) VCF-style: chr4-5690956-G-C.
Other names: c.394C>G, p.Leu132Val (NM_001166136.2); short protein forms L132V, L212V.
Identifiers: ClinVar variation 3749686 (VCV003749686.2).